The following is an entry in ClinVar:

NM_001042492.3(NF1):c.3427C>T (p.His1143Tyr)

Gene: NF1 (neurofibromin 1; plus strand). Cytogenetic location: 17q11.2.
Variant type: single nucleotide variant.
Coding change: c.3427C>T on transcript NM_001042492.3 (MANE Select); coding-DNA position 3427, C replaced by T.
Protein change: p.His1143Tyr; replaces histidine 1143 with tyrosine.
Molecular consequence: missense variant.
Genome position (GRCh38, 1-based): chr17:31,232,812, C>T. VCF-style: chr17-31232812-C-T. GRCh37 (hg19) VCF-style: chr17-29559830-C-T.
Other names: c.3427C>T, p.His1143Tyr (NM_000267.4); short protein forms H1143Y.
Identifiers: ClinVar variation 457648 (VCV000457648.15), dbSNP rs1555614963, ClinGen allele CA398989230.

ClinVar aggregate classification (germline): Pathogenic/Likely pathogenic. Review status: criteria provided, multiple submitters, no conflicts (2 of 4 stars). 5 submissions from 5 submitters: Pathogenic (1); Likely pathogenic (4). Last evaluated 2025-07-14.

Conditions:
Neurofibromatosis, type 1 (NF1). Also called: Neurofibromatosis, type I; Peripheral type neurofibromatosis; VON RECKLINGHAUSEN DISEASE; NEUROFIBROMATOSIS, TYPE I, SOMATIC. Identifiers: Orphanet 636, MedGen C0027831, MONDO:0018975, OMIM 162200. Disease mechanism: loss of function.
Cardiovascular phenotype. Identifiers: MedGen CN230736.
Hereditary cancer-predisposing syndrome. Also called: Neoplastic Syndromes, Hereditary; Tumor predisposition; Hereditary neoplastic syndrome; Hereditary Cancer Syndrome. Identifiers: Orphanet 140162, MedGen C0027672, MeSH D009386, MONDO:0015356.

Submissions (6):

Labcorp Genetics (formerly Invitae), Labcorp
Classification: Pathogenic for Neurofibromatosis, type 1. Last evaluated: 2025-07-14. Review status: criteria provided, single submitter. Criteria: Invitae Variant Classification Sherloc (09022015). Collection method: clinical testing. Allele origin: germline.
Comment: This sequence change replaces histidine, which is basic and polar, with tyrosine, which is neutral and polar, at codon 1143 of the NF1 protein (p.His1143Tyr). This variant is not present in population databases (gnomAD no frequency). This missense change has been observed in individual(s) with neurofibromatosis type I (PMID: 12807981, 18546366, 30530636, 33877690; internal data). In at least one individual the variant was observed to be de novo. Invitae Evidence Modeling of clinical and family history, age, sex, and reported ancestry of multiple individuals with this NF1 variant has been performed. This variant is expected to be pathogenic with a positive predictive value of at least 99%. This is a validated machine learning model that incorporates the clinical features of 1,785,918 individuals referred to our laboratory for NF1 testing. ClinVar contains an entry for this variant (Variation ID: 457648). Invitae Evidence Modeling of protein sequence and biophysical properties (such as structural, functional, and spatial information, amino acid conservation, physicochemical variation, residue mobility, and thermodynamic stability) has been performed for this missense variant. However, the output from this modeling did not meet the statistical confidence thresholds required to predict the impact of this variant on NF1 protein function. Algorithms developed to predict the effect of sequence changes on RNA splicing suggest that this variant may disrupt the consensus splice site. For these reasons, this variant has been classified as Pathogenic.

Dasa
Classification: Likely pathogenic for neurofibromatosis type 1. Last evaluated: 2024-12-09. Review status: criteria provided, single submitter. Criteria: DASA Assertion Criteria. Collection method: clinical testing. Allele origin: germline.
Comment: NM_001042492.3(NF1):c.3427C>T (p.His1143Tyr) is a missense variant that results in the substitution of histidine with tyrosine. This variant has been reported in individuals with NF1-related disorders (PMID: 12807981). Functional evidence supports an impact on the gene or gene product (PMID: 12807981). Also, this variant is absent from population databases. Based on the currently available evidence, this variant is classified as likely pathogenic.

Ambry Genetics
Classification: Likely pathogenic for Cardiovascular phenotype; Hereditary cancer-predisposing syndrome. Last evaluated: 2022-07-07. Review status: criteria provided, single submitter. Criteria: Ambry Variant Classification Scheme 2023. Collection method: clinical testing. Allele origin: germline.
Comment: The c.3427C>T variant (also known as p.H1143Y), located in coding exon 26 of the NF1 gene, results from a C to T substitution at nucleotide position 3427. The histidine at codon 1143 is replaced by tyrosine, an amino acid with similar properties. The variant has been detected in multiple individuals with neurofibromatosis type 1 (Ars E et al. J Med Genet, 2003 Jun;40:e82; Pros E et al. Hum Mutat, 2008 Sep;29:E173-93; Frayling IM et al. J Med Genet, 2019 04;56:209-219; Ambry internal data). This variant is considered to be rare based on population cohorts in the Genome Aggregation Database (gnomAD). This nucleotide position is highly conserved in available vertebrate species. In silico splice site analysis predicts that this alteration will result in the creation or strengthening of a novel splice donor site. RNA studies have demonstrated that this alteration results in partial skipping of exon 26 (Ars E et al. J Med Genet, 2003 Jun;40:e82; Pros E et al. Hum Mutat, 2008 Sep;29:E173-93; Frayling IM et al. J Med Genet, 2019 04;56:209-219; Ambry internal data). Based on the majority of available evidence to date, this variant is likely to be pathogenic.

Genome-Nilou Lab
Classification: Likely pathogenic for Neurofibromatosis, type 1. Last evaluated: 2022-03-15. Review status: criteria provided, single submitter. Criteria: ACMG Guidelines, 2015. Collection method: clinical testing. Allele origin: germline. Affected: no.

Center for Human Genetics, Inc
Classification: Likely pathogenic for Neurofibromatosis, type 1. Last evaluated: 2016-11-01. Review status: criteria provided, single submitter. Criteria: ACMG Guidelines, 2015. Collection method: clinical testing. Allele origin: germline. Affected: yes.

Dr. Peter K. Rogan Lab, Western University
No classification provided (evidence only). Condition: Malignant tumor of esophagus. Review status: no classification provided. Collection method: in vitro. Allele origin: not applicable. Functional consequence: retained intron. Not counted in ClinVar's aggregate classification.

Literature cited by the submitters: PubMed 12807981 (cited by Labcorp Genetics (formerly Invitae), Labcorp and Dasa); PubMed 18546366 (cited by Labcorp Genetics (formerly Invitae), Labcorp and Dasa); PubMed 30530636 (cited by Labcorp Genetics (formerly Invitae), Labcorp and Dasa); PubMed 33877690 (cited by Labcorp Genetics (formerly Invitae), Labcorp).